The following is an entry in ClinVar:

ClinVar aggregate classification (germline): Uncertain significance (1 of 4 stars; one submission).

Submission:

Labcorp Genetics (formerly Invitae), Labcorp
Classification: Uncertain significance. Last evaluated: 2024-04-02. Review status: criteria provided, single submitter. Criteria: Invitae Variant Classification Sherloc (09022015). Collection method: clinical testing. Allele origin: germline.
Comment: This sequence change replaces glutamine, which is neutral and polar, with arginine, which is basic and polar, at codon 69 of the TCIRG1 protein (p.Gln69Arg). This variant is present in population databases (no rsID available, gnomAD 0.007%). This variant has not been reported in the literature in individuals affected with TCIRG1-related conditions. Advanced modeling of protein sequence and biophysical properties (such as structural, functional, and spatial information, amino acid conservation, physicochemical variation, residue mobility, and thermodynamic stability) performed at Invitae indicates that this missense variant is not expected to disrupt TCIRG1 protein function with a negative predictive value of 80%. In summary, the available evidence is currently insufficient to determine the role of this variant in disease. Therefore, it has been classified as a Variant of Uncertain Significance.

NM_006019.4(TCIRG1):c.206A>G (p.Gln69Arg)

Gene: TCIRG1 (T cell immune regulator 1, ATPase H+ transporting V0 subunit a3; plus strand). Cytogenetic location: 11q13.2.
Variant type: single nucleotide variant.
Coding change: c.206A>G on transcript NM_006019.4 (MANE Select); coding-DNA position 206, A replaced by G.
Protein change: p.Gln69Arg; replaces glutamine 69 with arginine.
Molecular consequence: missense variant. On other transcripts: 5 prime UTR variant (1).
Genome position (GRCh38, 1-based): chr11:68,042,652, A>G. VCF-style: chr11-68042652-A-G. GRCh37 (hg19) VCF-style: chr11-67810119-A-G.
Other names: c.-1044A>G (NM_001351059.2); short protein forms Q69R.
Identifiers: ClinVar variation 2989115 (VCV002989115.3), dbSNP rs1199962112, ClinGen allele CA381575153.